The following is an entry in ClinVar:

ClinVar aggregate classification (germline): Uncertain significance (1 of 4 stars; one submission).

Conditions:
Peroxisome biogenesis disorder 2B (PBD2B). Identifiers: Orphanet 44, MedGen C3550234, MONDO:0008736, OMIM 202370.

Submission:

Labcorp Genetics (formerly Invitae), Labcorp
Classification: Uncertain significance for Peroxisome biogenesis disorder 2B. Last evaluated: 2022-09-13. Review status: criteria provided, single submitter. Criteria: Invitae Variant Classification Sherloc (09022015). Collection method: clinical testing. Allele origin: germline.
Comment: This variant, c.505_507del, results in the deletion of 1 amino acid(s) of the PEX5 protein (p.Glu169del), but otherwise preserves the integrity of the reading frame. This variant is present in population databases (rs773404109, gnomAD 0.003%). This variant has not been reported in the literature in individuals affected with PEX5-related conditions. Experimental studies and prediction algorithms are not available or were not evaluated, and the functional significance of this variant is currently unknown. In summary, the available evidence is currently insufficient to determine the role of this variant in disease. Therefore, it has been classified as a Variant of Uncertain Significance.

NM_001351132.2(PEX5):c.502GAG[1] (p.Glu169del)

Gene: PEX5 (peroxisomal biogenesis factor 5; plus strand). Cytogenetic location: 12p13.31.
Variant type: Microsatellite.
Coding change: c.502GAG[1] on transcript NM_001351132.2 (MANE Select); one copy of the 3-base unit GAG starting at c.502; the reference has two copies in a row; one copy, 3 bases deleted.
Protein change: p.Glu169del; deletes glutamic acid 169.
Molecular consequence: inframe deletion.
Genome position (GRCh38, 1-based): chr12:7,199,067-7,199,069, GAG deleted; deleting any 3 consecutive bases within chr12:7,199,064-7,199,069 gives the same sequence; the position shown is the placement nearest the transcript's 3' end. VCF-style (leftmost placement, unchanged base first): chr12-7199063-AGAG-A. GRCh37 (hg19) VCF-style: chr12-7351659-AGAG-A.
Other names: c.502GAG[1], p.Glu169del (NM_000319.5, NM_001131024.2, NM_001131025.2 and 19 more transcripts); c.547GAG[1], p.Glu184del (NM_001131023.2, NM_001351135.3, NM_001351138.2); short protein forms E184del, E169del.
Identifiers: ClinVar variation 1472347 (VCV001472347.5), dbSNP rs773404109, ClinGen allele CA6426158.